The following is an entry in ClinVar:

ClinVar aggregate classification (germline): Uncertain significance (1 of 4 stars; one submission).

Conditions:
Dilated cardiomyopathy 1DD (CMD1DD). Identifiers: Orphanet 154, MedGen C2750995, MONDO:0013168, OMIM 613172.

gnomAD v4.1: 1 of 1,551,710 alleles (0.000064%); highest among the groups gnomAD compares: South Asian, 0.0012%; no homozygotes.

Submission:

Labcorp Genetics (formerly Invitae), Labcorp
Classification: Uncertain significance for Dilated cardiomyopathy 1DD. Last evaluated: 2023-12-31. Review status: criteria provided, single submitter. Criteria: Invitae Variant Classification Sherloc (09022015). Collection method: clinical testing. Allele origin: germline.
Comment: This sequence change replaces leucine, which is neutral and non-polar, with arginine, which is basic and polar, at codon 1004 of the RBM20 protein (p.Leu1004Arg). This variant is not present in population databases (gnomAD no frequency). This variant has not been reported in the literature in individuals affected with RBM20-related conditions. Advanced modeling of protein sequence and biophysical properties (such as structural, functional, and spatial information, amino acid conservation, physicochemical variation, residue mobility, and thermodynamic stability) performed at Invitae indicates that this missense variant is not expected to disrupt RBM20 protein function with a negative predictive value of 95%. In summary, the available evidence is currently insufficient to determine the role of this variant in disease. Therefore, it has been classified as a Variant of Uncertain Significance.

NM_001134363.3(RBM20):c.3011T>G (p.Leu1004Arg)

Gene: RBM20 (RNA binding motif protein 20; plus strand). Cytogenetic location: 10q25.2.
Variant type: single nucleotide variant.
Coding change: c.3011T>G on transcript NM_001134363.3 (MANE Select); coding-DNA position 3011, T replaced by G.
Protein change: p.Leu1004Arg; replaces leucine 1004 with arginine.
Molecular consequence: missense variant.
Genome position (GRCh38, 1-based): chr10:110,821,630, T>G. VCF-style: chr10-110821630-T-G. GRCh37 (hg19) VCF-style: chr10-112581388-T-G.
Other names: short protein forms L1004R.
Identifiers: ClinVar variation 2825421 (VCV002825421.3), dbSNP rs2493494489, ClinGen allele CA378378928.
Genomic context (GRCh38, chr10:110,821,630, plus strand): 5'-TGCCCTCTGCTTCCACAAGCTGTCCCAGTGACATGGACGTGGAAATGCCTGGCCTAAATC[T>G]GGATGCTGAGCGGAAGCCAGCTGAAAGTGAGACAGGCCTCTCCCTGGAGGATTCAGATTG-3'
Protein context (NP_001127835.2, residues 994-1014): DMDVEMPGLN[Leu1004Arg]DAERKPAESE